The following is an entry in ClinVar:

NM_001330078.2(NRXN1):c.1424A>C (p.Asn475Thr)

Gene: NRXN1 (neurexin 1; minus strand). Cytogenetic location: 2p16.3.
Variant type: single nucleotide variant.
Coding change: c.1424A>C on transcript NM_001330078.2 (MANE Select); coding-DNA position 1424, A replaced by C.
Protein change: p.Asn475Thr; replaces asparagine 475 with threonine.
Molecular consequence: missense variant.
Genome position (GRCh38, 1-based): chr2:50,552,922, T>G on the plus strand (A>C on the coding strand, the complement: NRXN1 is on the minus strand). VCF-style: chr2-50552922-T-G. GRCh37 (hg19) VCF-style: chr2-50780060-T-G.
Other names: c.1544A>C, p.Asn515Thr (NM_001135659.3); c.1400A>C, p.Asn467Thr (NM_001330077.2, NM_001330082.2, NM_001330095.2); c.1385A>C, p.Asn462Thr (NM_001330083.2, NM_001330084.2); c.1424A>C, p.Asn475Thr (NM_001330085.2, NM_001330086.2, NM_004801.6); c.1340A>C, p.Asn447Thr (NM_001330087.2, NM_001330096.2); c.1370A>C, p.Asn457Thr (NM_001330088.2); c.1421A>C, p.Asn474Thr (NM_001330093.2); c.1412A>C, p.Asn471Thr (NM_001330094.2); short protein forms N515T, N457T, N467T, N471T, N474T, N447T, N462T, N475T.
Identifiers: ClinVar variation 211687 (VCV000211687.15), dbSNP rs751754721, ClinGen allele CA207785.

ClinVar aggregate classification (germline): Uncertain significance. Review status: criteria provided, multiple submitters, no conflicts (2 of 4 stars). 2 submissions from 2 submitters: Uncertain significance (2). Last evaluated 2025-01-06.

Conditions:
Pitt-Hopkins-like syndrome 2 (PTHSL2). Identifiers: Orphanet 221150, Orphanet 600663, MedGen C3280479, MONDO:0013690, OMIM 614325.

gnomAD v4.1: 2 of 1,613,712 alleles (0.00012%); highest among the groups gnomAD compares: Admixed American, 0.0033%; no homozygotes.

Submissions (2):

Labcorp Genetics (formerly Invitae), Labcorp
Classification: Uncertain significance for Pitt-Hopkins-like syndrome 2. Last evaluated: 2025-01-06. Review status: criteria provided, single submitter. Criteria: Invitae Variant Classification Sherloc (09022015). Collection method: clinical testing. Allele origin: germline.
Comment: This sequence change replaces asparagine, which is neutral and polar, with threonine, which is neutral and polar, at codon 515 of the NRXN1 protein (p.Asn515Thr). This variant is not present in population databases (gnomAD no frequency). This variant has not been reported in the literature in individuals affected with NRXN1-related conditions. ClinVar contains an entry for this variant (Variation ID: 211687). An algorithm developed to predict the effect of missense changes on protein structure and function (PolyPhen-2) suggests that this variant is likely to be disruptive. In summary, the available evidence is currently insufficient to determine the role of this variant in disease. Therefore, it has been classified as a Variant of Uncertain Significance.

Genetic Services Laboratory, University of Chicago
Classification: Uncertain significance. Last evaluated: 2014-11-04. Review status: criteria provided, single submitter. Criteria: ACMG Guidelines, 2015. Collection method: clinical testing. Allele origin: germline.